The following is an entry in ClinVar:

NM_001130144.3(LTBP3):c.1108T>G (p.Cys370Gly)

Gene: LTBP3 (latent transforming growth factor beta binding protein 3; minus strand). Cytogenetic location: 11q13.1.
Variant type: single nucleotide variant.
Coding change: c.1108T>G on transcript NM_001130144.3 (MANE Select); coding-DNA position 1108, T replaced by G.
Protein change: p.Cys370Gly; replaces cysteine 370 with glycine.
Molecular consequence: missense variant.
Genome position (GRCh38, 1-based): chr11:65,552,938, A>C on the plus strand (T>G on the coding strand, the complement: LTBP3 is on the minus strand). VCF-style: chr11-65552938-A-C. GRCh37 (hg19) VCF-style: chr11-65320409-A-C.
Other names: c.757T>G, p.Cys253Gly (NM_001164266.1); c.1108T>G, p.Cys370Gly (NM_021070.4); short protein forms C370G, C253G.
Identifiers: ClinVar variation 3012943 (VCV003012943.3), dbSNP rs1212641706, ClinGen allele CA381274346.

ClinVar aggregate classification (germline): Uncertain significance (1 of 4 stars; one submission).

Conditions:
Brachyolmia-amelogenesis imperfecta syndrome. Also called: PLATYSPONDYLY WITH AMELOGENESIS IMPERFECTA; Tooth agenesis, selective, 6; Dental anomalies and short stature. Identifiers: Orphanet 2899, MedGen C1832594, MONDO:0011018, OMIM 601216. Disease mechanism: loss of function.

Allele frequency attached by ClinVar (database versions not stated): gnomAD exomes below 0.00001.
gnomAD v4.1: 1 of 1,614,222 alleles (0.000062%); highest among the groups gnomAD compares: Admixed American, 0.0017%; no homozygotes.

Submission:

Labcorp Genetics (formerly Invitae), Labcorp
Classification: Uncertain significance for Brachyolmia-amelogenesis imperfecta syndrome. Last evaluated: 2023-11-22. Review status: criteria provided, single submitter. Criteria: Invitae Variant Classification Sherloc (09022015). Collection method: clinical testing. Allele origin: germline.
Comment: This sequence change replaces cysteine, which is neutral and slightly polar, with glycine, which is neutral and non-polar, at codon 370 of the LTBP3 protein (p.Cys370Gly). This variant is present in population databases (no rsID available, gnomAD no frequency). This variant has not been reported in the literature in individuals affected with LTBP3-related conditions. An algorithm developed to predict the effect of missense changes on protein structure and function (PolyPhen-2) suggests that this variant is likely to be disruptive. In summary, the available evidence is currently insufficient to determine the role of this variant in disease. Therefore, it has been classified as a Variant of Uncertain Significance.